The following is an entry in ClinVar:

NM_012144.4(DNAI1):c.1373del (p.Gly458fs)

Gene: DNAI1 (dynein axonemal intermediate chain 1; plus strand). Cytogenetic location: 9p13.3.
Variant type: Deletion.
Coding change: c.1373del on transcript NM_012144.4 (MANE Select); coding-DNA position 1373, one base deleted (G; older notation c.1373delG).
Protein change: p.Gly458fs; shifts the reading frame from glycine 458.
Molecular consequence: frameshift variant.
Genome position (GRCh38, 1-based): chr9:34,512,170, G deleted; the last of 2 consecutive G bases (chr9:34,512,169-34,512,170); deleting either gives the same sequence. VCF-style (leftmost placement, unchanged base first): chr9-34512168-CG-C. GRCh37 (hg19) VCF-style: chr9-34512166-CG-C.
Other names: c.1385del, p.Gly462fs (NM_001281428.2); short protein forms G458fs, G462fs.
Identifiers: ClinVar variation 5015708 (VCV005015708.1).

ClinVar aggregate classification (germline): Pathogenic (1 of 4 stars; one submission).

Conditions:
Kartagener syndrome (CILD1). Also called: CILIARY DYSKINESIA, PRIMARY, 1; CILIARY DYSKINESIA, PRIMARY, 1, WITH OR WITHOUT SITUS INVERSUS; IMMOTILE CILIA SYNDROME; POLYNESIAN BRONCHIECTASIS; Dextrocardia bronchiectasis and sinusitis; SIEWERT SYNDROME. Identifiers: Orphanet 244, MedGen C4551906, MONDO:0009484, OMIM 244400.

Submission:

Myriad Genetics, Inc.
Classification: Pathogenic for Kartagener syndrome. Last evaluated: 2026-03-21. Review status: criteria provided, single submitter. Criteria: Myriad Autosomal Dominant, Autosomal Recessive and X-Linked Classification Criteria (2023). Collection method: clinical testing. Allele origin: unknown.
Comment: NM_012144.2(DNAI1):c.1373delG(G458Afs*9) is expected to be pathogenic in the context of primary ciliary dyskinesia, DNAI1-related. This variant is predicted to lead to an abnormal or absent protein product due to the creation of a premature termination codon in DNAI1, a gene where loss-of-function variants are known to be pathogenic. Please note: this variant was assessed in the context of healthy population screening.